The following is an entry in ClinVar:

NM_001853.4(COL9A3):c.833C>T (p.Pro278Leu)

Gene: COL9A3 (collagen type IX alpha 3 chain; plus strand). Cytogenetic location: 20q13.33.
Variant type: single nucleotide variant.
Coding change: c.833C>T on transcript NM_001853.4 (MANE Select); coding-DNA position 833, C replaced by T.
Protein change: p.Pro278Leu; replaces proline 278 with leucine.
Molecular consequence: missense variant.
Genome position (GRCh38, 1-based): chr20:62,827,281, C>T. VCF-style: chr20-62827281-C-T. GRCh37 (hg19) VCF-style: chr20-61458633-C-T.
Other names: short protein forms P278L.
Identifiers: ClinVar variation 3683743 (VCV003683743.2).

ClinVar aggregate classification (germline): Uncertain significance (1 of 4 stars; one submission).

Submission:

Labcorp Genetics (formerly Invitae), Labcorp
Classification: Uncertain significance. Last evaluated: 2024-09-27. Review status: criteria provided, single submitter. Criteria: Invitae Variant Classification Sherloc (09022015). Collection method: clinical testing. Allele origin: germline.
Comment: This sequence change replaces proline, which is neutral and non-polar, with leucine, which is neutral and non-polar, at codon 278 of the COL9A3 protein (p.Pro278Leu). This variant is not present in population databases (gnomAD no frequency). This variant has not been reported in the literature in individuals affected with COL9A3-related conditions. Invitae Evidence Modeling of protein sequence and biophysical properties (such as structural, functional, and spatial information, amino acid conservation, physicochemical variation, residue mobility, and thermodynamic stability) indicates that this missense variant is not expected to disrupt COL9A3 protein function with a negative predictive value of 95%. In summary, the available evidence is currently insufficient to determine the role of this variant in disease. Therefore, it has been classified as a Variant of Uncertain Significance.